The following is an entry in ClinVar:

ClinVar aggregate classification (germline): Uncertain significance (1 of 4 stars; one submission).

gnomAD v4.1: 1 of 1,611,860 alleles (0.000062%); highest among the groups gnomAD compares: African/African-American, 0.0013%; no homozygotes.

Submission:

Ambry Genetics
Classification: Uncertain significance. Last evaluated: 2025-08-07. Review status: criteria provided, single submitter. Criteria: Ambry Variant Classification Scheme 2023. Collection method: clinical testing. Allele origin: germline.
Comment: The p.A206S variant (also known as c.616G>T), located in coding exon 6 of the KIF1B gene, results from a G to T substitution at nucleotide position 616. The alanine at codon 206 is replaced by serine, an amino acid with similar properties. This amino acid position is conserved. In addition, this alteration is predicted to be deleterious by in silico analysis. Based on the available evidence, the clinical significance of this variant remains unclear.

NM_001365951.3(KIF1B):c.616G>T (p.Ala206Ser)

Gene: KIF1B (kinesin family member 1B; plus strand). Cytogenetic location: 1p36.22.
Variant type: single nucleotide variant.
Coding change: c.616G>T on transcript NM_001365951.3 (MANE Select); coding-DNA position 616, G replaced by T.
Protein change: p.Ala206Ser; replaces alanine 206 with serine.
Molecular consequence: missense variant.
Genome position (GRCh38, 1-based): chr1:10,268,159, G>T. VCF-style: chr1-10268159-G-T. GRCh37 (hg19) VCF-style: chr1-10328217-G-T.
Other names: c.616G>T, p.Ala206Ser (NM_001365952.1, NM_001365953.1, NM_015074.3 and 1 more transcripts); short protein forms A206S.
Identifiers: ClinVar variation 4092303 (VCV004092303.1).